The following is an entry in ClinVar:

ClinVar aggregate classification (germline): Benign (1 of 4 stars; one submission).

Allele frequency attached by ClinVar (database versions not stated): 1000 Genomes Project 30x 0.77155; 1000 Genomes Project 0.77496; TOPMed 0.79032.
gnomAD v4.1: 121,855 of 152,080 alleles (80%); highest among the groups gnomAD compares: Middle Eastern, 91%; 49,654 homozygotes.

Submission:

Unidad de Genómica Garrahan, Hospital de Pediatría Garrahan
Classification: Benign. Last evaluated: 2023-11-12. Review status: criteria provided, single submitter. Criteria: ACMG Guidelines, 2015. Collection method: clinical testing. Allele origin: germline. Affected: no. Observed: 71 variant alleles.
Comment: This variant is classified as Benign based on local population frequency. This variant was detected in 74% of patients studied by a panel of primary immunodeficiencies. Number of patients: 71. Only high quality variants are reported.

NM_005060.4(RORC):c.40+437C>G

Gene: RORC (RAR related orphan receptor C; minus strand). Cytogenetic location: 1q21.3.
Variant type: single nucleotide variant.
Coding change: c.40+437C>G on transcript NM_005060.4 (MANE Select); 437 bases into the intron after coding-DNA position 40, C replaced by G.
Molecular consequence: intron variant.
Genome position (GRCh38, 1-based): chr1:151,831,288, G>C on the plus strand (C>G on the coding strand, the complement: RORC is on the minus strand). VCF-style: chr1-151831288-G-C. GRCh37 (hg19) VCF-style: chr1-151803764-G-C.
Identifiers: ClinVar variation 2628121 (VCV002628121.2), dbSNP rs12126984, ClinGen allele CA10781139.